The following is an entry in ClinVar:

ClinVar aggregate classification (germline): Uncertain significance (1 of 4 stars; one submission).

Conditions:
Hereditary cancer-predisposing syndrome. Also called: Neoplastic Syndromes, Hereditary; Tumor predisposition; Hereditary Cancer Syndrome; Hereditary neoplastic syndrome. Identifiers: Orphanet 140162, MedGen C0027672, MeSH D009386, MONDO:0015356.

Submission:

Ambry Genetics
Classification: Uncertain significance for Hereditary cancer-predisposing syndrome. Last evaluated: 2025-12-22. Review status: criteria provided, single submitter. Criteria: Ambry Variant Classification Scheme 2023. Collection method: clinical testing. Allele origin: germline.
Comment: The p.R1158T variant (also known as c.3473G>C), located in coding exon 15 of the APC gene, results from a G to C substitution at nucleotide position 3473. The arginine at codon 1158 is replaced by threonine, an amino acid with similar properties. This amino acid position is conserved. In addition, in silico predictors for this gene do not accurately predict pathogenicity. Based on the available evidence, the clinical significance of this variant remains unclear.

NM_000038.6(APC):c.3473G>C (p.Arg1158Thr)

Gene: APC (APC regulator of Wnt signaling pathway; plus strand). Cytogenetic location: 5q22.2.
Variant type: single nucleotide variant.
Coding change: c.3473G>C on transcript NM_000038.6 (MANE Select); coding-DNA position 3473, G replaced by C.
Protein change: p.Arg1158Thr; replaces arginine 1158 with threonine.
Molecular consequence: missense variant. On other transcripts: non-coding transcript variant (2).
Genome position (GRCh38, 1-based): chr5:112,839,067, G>C. VCF-style: chr5-112839067-G-C. GRCh37 (hg19) VCF-style: chr5-112174764-G-C.
Other names: c.3473G>C, p.Arg1158Thr (NM_001127510.3, NM_001354895.2, NM_001407450.1); c.3419G>C, p.Arg1140Thr (NM_001127511.3); c.3527G>C, p.Arg1176Thr (NM_001354896.2, NM_001407447.1, NM_001407448.1 and 1 more transcripts); c.3503G>C, p.Arg1168Thr (NM_001354897.2); c.3398G>C, p.Arg1133Thr (NM_001354898.2); c.3389G>C, p.Arg1130Thr (NM_001354899.2); c.3350G>C, p.Arg1117Thr (NM_001354900.2); c.3296G>C, p.Arg1099Thr (NM_001354901.2, NM_001407453.1); and 11 more; short protein forms R1099T, R1117T, R1133T, R1148T, R1151T, R1032T, R1168T, R875T.
Identifiers: ClinVar variation 4843524 (VCV004843524.1).